The following is an entry in ClinVar:

ClinVar aggregate classification (germline): Uncertain significance (1 of 4 stars; one submission).

Conditions:
Craniolenticulosutural dysplasia (CLSD). Also called: BOYADJIEV-JABS SYNDROME. Identifiers: Orphanet 50814, MedGen C1843042, MONDO:0011911, OMIM 607812.

Allele frequency attached by ClinVar (database versions not stated): gnomAD exomes below 0.00001; TOPMed below 0.00001; gnomAD 0.00001.

Submission:

Labcorp Genetics (formerly Invitae), Labcorp
Classification: Uncertain significance for Craniolenticulosutural dysplasia. Last evaluated: 2022-08-03. Review status: criteria provided, single submitter. Criteria: Invitae Variant Classification Sherloc (09022015). Collection method: clinical testing. Allele origin: germline.
Comment: Algorithms developed to predict the effect of missense changes on protein structure and function are either unavailable or do not agree on the potential impact of this missense change (SIFT: "Not Available"; PolyPhen-2: "Benign"; Align-GVGD: "Not Available"). This variant has not been reported in the literature in individuals affected with SEC23A-related conditions. This variant is not present in population databases (gnomAD no frequency). This sequence change replaces proline, which is neutral and non-polar, with leucine, which is neutral and non-polar, at codon 210 of the SEC23A protein (p.Pro210Leu). In summary, the available evidence is currently insufficient to determine the role of this variant in disease. Therefore, it has been classified as a Variant of Uncertain Significance.

NM_006364.4(SEC23A):c.629C>T (p.Pro210Leu)

Gene: SEC23A (SEC23 homolog A, COPII component; minus strand). Cytogenetic location: 14q21.1.
Variant type: single nucleotide variant.
Coding change: c.629C>T on transcript NM_006364.4 (MANE Select); coding-DNA position 629, C replaced by T.
Protein change: p.Pro210Leu; replaces proline 210 with leucine.
Molecular consequence: missense variant.
Genome position (GRCh38, 1-based): chr14:39,086,983, G>A on the plus strand (C>T on the coding strand, the complement: SEC23A is on the minus strand). VCF-style: chr14-39086983-G-A. GRCh37 (hg19) VCF-style: chr14-39556187-G-A.
Other names: short protein forms P210L.
Identifiers: ClinVar variation 1981883 (VCV001981883.4), dbSNP rs1277349042, ClinGen allele CA389536419.